The following is an entry in ClinVar:

ClinVar aggregate classification (germline): Uncertain significance (1 of 4 stars; one submission).

Conditions:
Kufor-Rakeb syndrome (KRS). Also called: PARKINSON DISEASE 9, AUTOSOMAL RECESSIVE, JUVENILE-ONSET. Identifiers: Orphanet 306674, Orphanet 314632, MedGen C1847640, MONDO:0011706, OMIM 606693.
Autosomal recessive spastic paraplegia type 78. Identifiers: Orphanet 513436, MedGen C5567893, MONDO:0014975, OMIM 617225.

Allele frequency attached by ClinVar (database versions not stated): TOPMed below 0.00001; ExAC 0.00001; gnomAD exomes 0.00001.
gnomAD v4.1: 3 of 1,613,770 alleles (0.00019%); highest among the groups gnomAD compares: Admixed American, 0.005%; no homozygotes.

Submission:

Labcorp Genetics (formerly Invitae), Labcorp
Classification: Uncertain significance for Kufor-Rakeb syndrome; Autosomal recessive spastic paraplegia type 78. Last evaluated: 2024-12-02. Review status: criteria provided, single submitter. Criteria: Invitae Variant Classification Sherloc (09022015). Collection method: clinical testing. Allele origin: germline.
Comment: This sequence change replaces isoleucine, which is neutral and non-polar, with threonine, which is neutral and polar, at codon 223 of the ATP13A2 protein (p.Ile223Thr). This variant is not present in population databases (gnomAD no frequency). This variant has not been reported in the literature in individuals affected with ATP13A2-related conditions. ClinVar contains an entry for this variant (Variation ID: 957471). Invitae Evidence Modeling of protein sequence and biophysical properties (such as structural, functional, and spatial information, amino acid conservation, physicochemical variation, residue mobility, and thermodynamic stability) indicates that this missense variant is not expected to disrupt ATP13A2 protein function with a negative predictive value of 80%. In summary, the available evidence is currently insufficient to determine the role of this variant in disease. Therefore, it has been classified as a Variant of Uncertain Significance.

NM_022089.4(ATP13A2):c.668T>C (p.Ile223Thr)

Gene: ATP13A2 (ATPase cation transporting 13A2; minus strand). Cytogenetic location: 1p36.13.
Variant type: single nucleotide variant.
Coding change: c.668T>C on transcript NM_022089.4 (MANE Select); coding-DNA position 668, T replaced by C.
Protein change: p.Ile223Thr; replaces isoleucine 223 with threonine.
Molecular consequence: missense variant.
Genome position (GRCh38, 1-based): chr1:17,002,071, A>G on the plus strand (T>C on the coding strand, the complement: ATP13A2 is on the minus strand). VCF-style: chr1-17002071-A-G. GRCh37 (hg19) VCF-style: chr1-17328566-A-G.
Other names: c.653T>C, p.Ile218Thr (NM_001141973.3, NM_001141974.3); short protein forms I218T, I223T.
Identifiers: ClinVar variation 957471 (VCV000957471.7), dbSNP rs771489150, ClinGen allele CA637536.